The following is an entry in ClinVar:

NM_001367624.2(ZNF469):c.3707C>G (p.Pro1236Arg)

Gene: ZNF469 (zinc finger protein 469; plus strand). Cytogenetic location: 16q24.2.
Variant type: single nucleotide variant.
Coding change: c.3707C>G on transcript NM_001367624.2 (MANE Select); coding-DNA position 3707, C replaced by G.
Protein change: p.Pro1236Arg; replaces proline 1236 with arginine.
Molecular consequence: missense variant.
Genome position (GRCh38, 1-based): chr16:88,431,177, C>G. VCF-style: chr16-88431177-C-G. GRCh37 (hg19) VCF-style: chr16-88497585-C-G.
Other names: NM_001127464.1:c.3623C>G; short protein forms P1236R.
Identifiers: ClinVar variation 5032250 (VCV005032250.1).

ClinVar aggregate classification (germline): Uncertain significance (1 of 4 stars; one submission).

Conditions:
Cardiovascular phenotype. Identifiers: MedGen CN230736.

gnomAD v4.1: 8 of 1,550,262 alleles (0.00052%); highest among the groups gnomAD compares: South Asian, 0.0071%; no homozygotes.

Submission:

Ambry Genetics
Classification: Uncertain significance for Cardiovascular phenotype. Last evaluated: 2026-08-10. Review status: criteria provided, single submitter. Criteria: Ambry Variant Classification Scheme 2023. Collection method: clinical testing. Allele origin: germline.
Comment: The p.P1208R variant (also known as c.3623C>G), located in coding exon 2 of the ZNF469 gene, results from a C to G substitution at nucleotide position 3623. The proline at codon 1208 is replaced by arginine, an amino acid with dissimilar properties. This amino acid position is conserved. In addition, this alteration is predicted to be tolerated by in silico analysis. Based on the available evidence, the clinical significance of this variant remains unclear.